The following is an entry in ClinVar:

NM_001130987.2(DYSF):c.6173+2del

Gene: DYSF (dysferlin; plus strand). Cytogenetic location: 2p13.2.
Variant type: Deletion.
Coding change: c.6173+2del on transcript NM_001130987.2 (MANE Select); the canonical splice donor site of the intron after coding-DNA position 6173, one base deleted (T; older notation c.6173+2delT).
Molecular consequence: splice donor variant.
Genome position (GRCh38, 1-based): chr2:71,681,112, T deleted. VCF-style (leftmost placement, unchanged base first): chr2-71681111-GT-G. GRCh37 (hg19) VCF-style: chr2-71908241-GT-G.
Other names: c.6077+2del (NM_001130977.2); c.6014+2del (NM_001130976.2); c.6152+2del (NM_001130982.2); c.6110+2del (NM_001130985.2); c.6122+2del (NM_001130983.2); c.6059+2del (NM_001130455.2); c.6080+2del (NM_001130984.2); c.6017+2del (NM_001130986.2); and 5 more.
Identifiers: ClinVar variation 2707091 (VCV002707091.3), dbSNP rs2546644221, ClinGen allele CA2697548263.

ClinVar aggregate classification (germline): Likely pathogenic (1 of 4 stars; one submission).

Conditions:
Neuromuscular disease caused by qualitative or quantitative defects of dysferlin. Also called: Qualitative or quantitative defects of dysferlin; Dysferlinopathy. Identifiers: Orphanet 207073, MedGen C2931687, MONDO:0016145.

Submission:

Labcorp Genetics (formerly Invitae), Labcorp
Classification: Likely pathogenic for Neuromuscular disease caused by qualitative or quantitative defects of dysferlin. Last evaluated: 2024-01-03. Review status: criteria provided, single submitter. Criteria: Invitae Variant Classification Sherloc (09022015). Collection method: clinical testing. Allele origin: germline.
Comment: This sequence change affects a splice site in intron 53 of the DYSF gene. It is expected to disrupt RNA splicing. Variants that disrupt the donor or acceptor splice site typically lead to a loss of protein function (PMID: 16199547), and loss-of-function variants in DYSF are known to be pathogenic (PMID: 17698709, 20301480). This variant is not present in population databases (gnomAD no frequency). This variant has not been reported in the literature in individuals affected with DYSF-related conditions. Algorithms developed to predict the effect of sequence changes on RNA splicing suggest that this variant may disrupt the consensus splice site. In summary, the currently available evidence indicates that the variant is pathogenic, but additional data are needed to prove that conclusively. Therefore, this variant has been classified as Likely Pathogenic.

Literature cited by the submitters: PubMed 16199547; PubMed 17698709; PubMed 20301480.